The following is an entry in ClinVar:

NM_000642.3(AGL):c.2243G>T (p.Arg748Ile)

Gene: AGL (amylo-alpha-1,6-glucosidase and 4-alpha-glucanotransferase; plus strand). Cytogenetic location: 1p21.2.
Variant type: single nucleotide variant.
Coding change: c.2243G>T on transcript NM_000642.3 (MANE Select); coding-DNA position 2243, G replaced by T.
Protein change: p.Arg748Ile; replaces arginine 748 with isoleucine.
Molecular consequence: missense variant.
Genome position (GRCh38, 1-based): chr1:99,881,626, G>T. VCF-style: chr1-99881626-G-T. GRCh37 (hg19) VCF-style: chr1-100347182-G-T.
Other names: c.2243G>T, p.Arg748Ile (NM_000028.3, NM_000643.3, NM_000644.3 and 2 more transcripts); c.2195G>T, p.Arg732Ile (NM_000646.3); c.2042G>T, p.Arg681Ile (NM_001425327.1); c.2039G>T, p.Arg680Ile (NM_001425328.1, NM_001425329.1); c.1865G>T, p.Arg622Ile (NM_001425332.1); short protein forms R732I, R748I, R622I, R680I, R681I.
Identifiers: ClinVar variation 1988950 (VCV001988950.1), dbSNP rs2524654576, ClinGen allele CA341319924.

ClinVar aggregate classification (germline): Uncertain significance (1 of 4 stars; one submission).

Conditions:
Glycogen storage disease type III (GSD3). Also called: Cori disease; FORBES DISEASE. Identifiers: Orphanet 366, MedGen C0017922, MONDO:0009291, OMIM 232400.

Allele frequency attached by ClinVar (database versions not stated): gnomAD exomes below 0.00001.
gnomAD v4.1: 1 of 1,613,974 alleles (0.000062%); highest among the groups gnomAD compares: African/African-American, 0.0013%; no homozygotes.

Submission:

Labcorp Genetics (formerly Invitae), Labcorp
Classification: Uncertain significance for Glycogen storage disease type III. Last evaluated: 2021-08-24. Review status: criteria provided, single submitter. Criteria: Invitae Variant Classification Sherloc (09022015). Collection method: clinical testing. Allele origin: germline.
Comment: This sequence change replaces arginine with isoleucine at codon 748 of the AGL protein (p.Arg748Ile). The arginine residue is moderately conserved and there is a moderate physicochemical difference between arginine and isoleucine. This variant is not present in population databases (ExAC no frequency). This variant has not been reported in the literature in individuals affected with AGL-related conditions. Algorithms developed to predict the effect of missense changes on protein structure and function are either unavailable or do not agree on the potential impact of this missense change (SIFT: "Deleterious"; PolyPhen-2: "Possibly Damaging"; Align-GVGD: "Class C0"). In summary, the available evidence is currently insufficient to determine the role of this variant in disease. Therefore, it has been classified as a Variant of Uncertain Significance.